The following is an entry in ClinVar:

NM_015065.3(EXPH5):c.3925C>A (p.Pro1309Thr)

Gene: EXPH5 (exophilin 5; minus strand). Cytogenetic location: 11q22.3.
Variant type: single nucleotide variant.
Coding change: c.3925C>A on transcript NM_015065.3 (MANE Select); coding-DNA position 3925, C replaced by A.
Protein change: p.Pro1309Thr; replaces proline 1309 with threonine.
Molecular consequence: missense variant.
Genome position (GRCh38, 1-based): chr11:108,511,582, G>T on the plus strand (C>A on the coding strand, the complement: EXPH5 is on the minus strand). VCF-style: chr11-108511582-G-T. GRCh37 (hg19) VCF-style: chr11-108382309-G-T.
Other names: c.3697C>A, p.Pro1233Thr (NM_001144763.2); c.3457C>A, p.Pro1153Thr (NM_001144764.2); c.3361C>A, p.Pro1121Thr (NM_001144765.2); c.3904C>A, p.Pro1302Thr (NM_001308019.2); short protein forms P1121T, P1153T, P1309T, P1233T, P1302T.
Identifiers: ClinVar variation 2285517 (VCV002285517.4), dbSNP rs183046140, ClinGen allele CA6267612.

ClinVar aggregate classification (germline): Uncertain significance. Review status: criteria provided, multiple submitters, no conflicts (2 of 4 stars). 2 submissions from 2 submitters: Uncertain significance (2). Last evaluated 2025-01-18.

Conditions:
Inborn genetic diseases. Identifiers: MedGen C0950123, MeSH D030342.

Allele frequency attached by ClinVar (database versions not stated): ExAC 0.00003; TOPMed 0.00012; gnomAD 0.00015; 1000 Genomes Project 0.00020; 1000 Genomes Project 30x 0.00031.
gnomAD v4.1: 55 of 1,613,402 alleles (0.0034%); highest among the groups gnomAD compares: African/African-American, 0.06%; no homozygotes.

Submissions (2):

Ambry Genetics
Classification: Uncertain significance for Inborn genetic diseases. Last evaluated: 2025-01-18. Review status: criteria provided, single submitter. Criteria: Ambry Variant Classification Scheme 2023. Collection method: clinical testing. Allele origin: germline.

GeneDx
Classification: Uncertain significance. Last evaluated: 2024-11-29. Review status: criteria provided, single submitter. Criteria: GeneDx Variant Classification Process June 2021. Collection method: clinical testing. Allele origin: germline. Affected: yes.
Comment: In silico analysis supports that this missense variant has a deleterious effect on protein structure/function; Has not been previously published as pathogenic or benign to our knowledge